The following is an entry in ClinVar:

ClinVar aggregate classification (germline): Conflicting classifications of pathogenicity. Review status: criteria provided, conflicting classifications (1 of 4 stars). 4 submissions from 4 submitters: Uncertain significance (2); Benign (1); Likely benign (1). Last evaluated 2025-11-13.

Conditions:
Ehlers-Danlos syndrome, classic type (cEDS). Identifiers: Orphanet 287, MedGen C4225429, MONDO:0007522.
Familial thoracic aortic aneurysm and aortic dissection (TAAD). Also called: Thoracic aortic aneurysms and dissections. Identifiers: Orphanet 91387, MedGen C4707243, MONDO:0019625.
Ehlers-Danlos syndrome, classic type, 1 (EDSCL1). Also called: EHLERS-DANLOS SYNDROME, GRAVIS TYPE; EHLERS-DANLOS SYNDROME, SEVERE CLASSIC TYPE; EDS I; Ehlers-Danlos Syndrome, Classic Type, COL5A1-Related; Ehlers-Danlos syndrome, type 1. Identifiers: MedGen C0268335, MONDO:0019567, OMIM 130000.

Allele frequency attached by ClinVar (database versions not stated): ExAC 0.00003; gnomAD exomes 0.00003 and 0.00006; TOPMed 0.00002.
gnomAD v4.1: 41 of 1,613,652 alleles (0.0025%); highest among the groups gnomAD compares: South Asian, 0.02%; 1 homozygote.

Submissions (4):

Women's Health and Genetics/Laboratory Corporation of America, LabCorp
Classification: Likely benign. Last evaluated: 2025-11-13. Review status: criteria provided, single submitter. Criteria: LabCorp Variant Classification Summary - May 2015. Collection method: clinical testing. Allele origin: germline.
Comment: Variant summary: COL5A1 c.5348G>A (p.Arg1783His) results in a non-conservative amino acid change in the encoded protein sequence. Algorithms developed to predict the effect of missense changes on protein structure and function are either unavailable or do not agree on the potential impact of this missense change. The variant allele was found at a frequency of 6e-05 in 250286 control chromosomes. The observed variant frequency exceeds the estimated maximal expected allele frequency for disease-causing variants in COL5A1. To our knowledge, no occurrence of c.5348G>A in individuals affected with COL5A1-related conditions and no experimental evidence demonstrating its impact on protein function have been reported. ClinVar contains an entry for this variant (Variation ID: 487457). Based on the evidence outlined above, the variant was classified as likely benign.

Labcorp Genetics (formerly Invitae), Labcorp
Classification: Benign for Ehlers-Danlos syndrome, classic type, 1. Last evaluated: 2025-10-01. Review status: criteria provided, single submitter. Criteria: Invitae Variant Classification Sherloc (09022015). Collection method: clinical testing. Allele origin: germline.

Ambry Genetics
Classification: Uncertain significance for Familial thoracic aortic aneurysm and aortic dissection. Last evaluated: 2024-02-20. Review status: criteria provided, single submitter. Criteria: Ambry Variant Classification Scheme 2023. Collection method: clinical testing. Allele origin: germline.
Comment: The p.R1783H variant (also known as c.5348G>A), located in coding exon 65 of the COL5A1 gene, results from a G to A substitution at nucleotide position 5348. The arginine at codon 1783 is replaced by histidine, an amino acid with highly similar properties. This amino acid position is well conserved in available vertebrate species. In addition, this alteration is predicted to be tolerated by in silico analysis. Based on the available evidence, the clinical significance of this alteration remains unclear.

Center for Genomics, Ann and Robert H. Lurie Children's Hospital of Chicago
Classification: Uncertain significance for Ehlers-Danlos syndrome, classic type, 1. Last evaluated: 2017-08-01. Review status: criteria provided, single submitter. Criteria: ACMG Guidelines, 2015. Collection method: clinical testing. Allele origin: germline.
Comment: COL5A1 NM_000093.4 exon65 p.Arg1783His (c.5348G>A): This variant not been reported in the literature, but is present in 9/33572 Latino individuals in the Genome Aggregation Database. Evolutionary conservation and computational predictive tools suggest that this variant may not impact the protein. Of note, 7 other species have the variant Histidine (His) at this position, further suggesting that this variant may be tolerated. In summary, data on this variant is insufficient for disease classification. Therefore, the clinical significance of this variant is uncertain.

NM_000093.5(COL5A1):c.5348G>A (p.Arg1783His)

Genes: COL5A1 (collagen type V alpha 1 chain; plus strand), LOC101448202 (uncharacterized LOC101448202; minus strand). Cytogenetic location: 9q34.3.
Variant type: single nucleotide variant.
Coding change: c.5348G>A on transcript NM_000093.5 (MANE Select); coding-DNA position 5348, G replaced by A.
Protein change: p.Arg1783His; replaces arginine 1783 with histidine.
Molecular consequence: missense variant.
Genome position (GRCh38, 1-based): chr9:134,835,182, G>A. VCF-style: chr9-134835182-G-A. GRCh37 (hg19) VCF-style: chr9-137727028-G-A.
Other names: c.5348G>A, p.Arg1783His (NM_001278074.1); short protein forms R1783H.
Identifiers: ClinVar variation 487457 (VCV000487457.12), dbSNP rs777045810, ClinGen allele CA5320694.
Genomic context (GRCh38, chr9:134,835,182, plus strand): 5'-CCCTCCGCTTCCTGGGCTCCAACGACGAGGAGATGTCCTATGACAACAACCCCTACATCC[G>A]CGCCCTGGTGGACGGCTGTGCTGTGAGTATCCCGCGCCGCGCCCAGCACCCCTGCTCACG-3'
Protein context (NP_000084.3, residues 1773-1793): EMSYDNNPYI[Arg1783His]ALVDGCATKK